The following is an entry in ClinVar:

NM_153252.5(BRWD3):c.*2744A>G

Gene: BRWD3 (bromodomain and WD repeat domain containing 3; minus strand). Cytogenetic location: Xq21.1.
Variant type: single nucleotide variant.
Coding change: c.*2744A>G on transcript NM_153252.5 (MANE Select); 2744 bases downstream of the stop codon, A replaced by G.
Molecular consequence: 3 prime UTR variant.
Genome position (GRCh38, 1-based): chrX:80,673,865, T>C on the plus strand (A>G on the coding strand, the complement: BRWD3 is on the minus strand). VCF-style: chrX-80673865-T-C. GRCh37 (hg19) VCF-style: chrX-79929364-T-C.
Identifiers: ClinVar variation 368706 (VCV000368706.5), dbSNP rs148045997, ClinGen allele CA10654071.

ClinVar aggregate classification (germline): Likely benign (1 of 4 stars; one submission).

Conditions:
Intellectual developmental disorder, X-linked 93. Also called: MENTAL RETARDATION, X-LINKED, WITH MACROCEPHALY; Intellectual disability, X-linked 93. Identifiers: MedGen C1970841, MONDO:0010393, OMIM 300659.

Allele frequency attached by ClinVar (database versions not stated): 1000 Genomes Project 0.00344; gnomAD 0.00888 and 0.00850; 1000 Genomes Project 30x 0.00375; TOPMed 0.00831.

Submission:

Illumina Laboratory Services, Illumina
Classification: Likely benign for Intellectual developmental disorder, X-linked 93. Last evaluated: 2017-04-27. Review status: criteria provided, single submitter. Criteria: ICSL Variant Classification Criteria 13 December 2019. Collection method: clinical testing. Allele origin: germline.
Comment: This variant was observed as part of a predisposition screen in an ostensibly healthy population. A literature search was performed for the gene, cDNA change, and amino acid change (where applicable). No publications were found based on this search. Allele frequency data from public databases allowed determination this variant is unlikely to cause disease. Therefore, this variant is classified as likely benign.